The following is an entry in ClinVar:

ClinVar aggregate classification (germline): Uncertain significance (1 of 4 stars; one submission).

Conditions:
Myoclonic dystonia 11 (DYT11). Also called: DYT-SGCE; Myoclonic dystonia; Dystonia 11; Dystonia, alcohol responsive; Hereditary essential myoclonus; SGCE Myoclonus-Dystonia. Identifiers: Orphanet 36899, MedGen C1834570, MONDO:0008044, OMIM 159900.

gnomAD v4.1: 1 of 1,613,934 alleles (0.000062%); highest among the groups gnomAD compares: Non-Finnish European, 0.000085%; no homozygotes.

Submission:

Labcorp Genetics (formerly Invitae), Labcorp
Classification: Uncertain significance for Myoclonic dystonia 11. Last evaluated: 2021-02-24. Review status: criteria provided, single submitter. Criteria: Invitae Variant Classification Sherloc (09022015). Collection method: clinical testing. Allele origin: germline.
Comment: In summary, the available evidence is currently insufficient to determine the role of this variant in disease. Therefore, it has been classified as a Variant of Uncertain Significance. This variant has not been reported in the literature in individuals with SGCE-related conditions. Algorithms developed to predict the effect of missense changes on protein structure and function (SIFT, PolyPhen-2, Align-GVGD) all suggest that this variant is likely to be tolerated, but these predictions have not been confirmed by published functional studies and their clinical significance is uncertain. This variant is not present in population databases (ExAC no frequency). This sequence change replaces asparagine with aspartic acid at codon 216 of the SGCE protein (p.Asn216Asp). The asparagine residue is moderately conserved and there is a small physicochemical difference between asparagine and aspartic acid.

NM_003919.3(SGCE):c.646A>G (p.Asn216Asp)

Genes: CASD1 (CAS1 domain sialic acid O acetyltransferase 1; plus strand), SGCE (sarcoglycan epsilon; minus strand). Cytogenetic location: 7q21.3.
Variant type: single nucleotide variant.
Coding change: c.646A>G on transcript NM_003919.3 (MANE Select); coding-DNA position 646, A replaced by G.
Protein change: p.Asn216Asp; replaces asparagine 216 with aspartic acid.
Molecular consequence: missense variant.
Genome position (GRCh38, 1-based): chr7:94,618,774, T>C on the plus strand (A>G on the coding strand, the complement: SGCE is on the minus strand). VCF-style: chr7-94618774-T-C. GRCh37 (hg19) VCF-style: chr7-94248086-T-C.
Other names: c.646A>G, p.Asn216Asp (NM_001099400.2, NM_001099401.2, NM_001346717.2); c.523A>G, p.Asn175Asp (NM_001301139.2, NM_001362809.2); c.754A>G, p.Asn252Asp (NM_001346713.2, NM_001346715.2); c.559A>G, p.Asn187Asp (NM_001346719.2, NM_001362807.2); c.373A>G, p.Asn125Asp (NM_001346720.2, NM_001362808.2); short protein forms N125D, N175D, N187D, N216D, N252D.
Identifiers: ClinVar variation 1058627 (VCV001058627.9), dbSNP rs2116880651, ClinGen allele CA368235093.